The following is an entry in ClinVar:

NM_018433.6(KDM3A):c.557-5_557-4del

Gene: KDM3A (lysine demethylase 3A; plus strand). Cytogenetic location: 2p11.2.
Variant type: Deletion.
Coding change: c.557-5_557-4del on transcript NM_018433.6 (MANE Select); 5 bases into the intron before coding-DNA position 557 through 4 bases into the intron before coding-DNA position 557, 2 bases deleted (TT; older notation c.557-5_557-4delTT).
Molecular consequence: intron variant.
Genome position (GRCh38, 1-based): chr2:86,456,437-86,456,438, TT deleted; deleting any 2 consecutive bases within chr2:86,456,417-86,456,438 gives the same sequence; the c. name uses the placement nearest the transcript's 3' end. VCF-style (leftmost placement, unchanged base first): chr2-86456416-ATT-A. GRCh37 (hg19) VCF-style: chr2-86683539-ATT-A.
Other names: c.557-5_557-4del (NM_001146688.2).
Identifiers: ClinVar variation 3038781 (VCV003038781.2), dbSNP rs11431031, ClinGen allele CA1749090.
Genomic context (GRCh38, chr2:86,456,416, plus strand): 5'-CTTAGGAAAAGATTGTCCTGGATGATGTTGCTATTGGGAGATAATGCAAATTGCTCTAAG[ATT>A]TTTTTTTTTTTTTTTTTTTTAAGGTGACAAAAACTTAGTTGGTTCAGAAGTAAAAATTTA-3'

ClinVar aggregate classification (germline): Benign (0 of 4 stars; one submission).

Conditions:
KDM3A-related disorder. Also called: KDM3A-related condition.

Submission:

PreventionGenetics, part of Exact Sciences
Classification: Benign for KDM3A-related condition. Last evaluated: 2019-03-26. Review status: no assertion criteria provided. Collection method: clinical testing. Allele origin: germline.
Comment: This variant is classified as benign based on ACMG/AMP sequence variant interpretation guidelines (Richards et al. 2015 PMID: 25741868, with internal and published modifications).